The following is an entry in ClinVar:

NM_016734.3(PAX5):c.319C>T (p.Pro107Ser)

Gene: PAX5 (paired box 5; minus strand). Cytogenetic location: 9p13.2.
Variant type: single nucleotide variant.
Coding change: c.319C>T on transcript NM_016734.3 (MANE Select); coding-DNA position 319, C replaced by T.
Protein change: p.Pro107Ser; replaces proline 107 with serine.
Molecular consequence: missense variant. On other transcripts: 5 prime UTR variant (2), non-coding transcript variant (2), intron variant (1).
Genome position (GRCh38, 1-based): chr9:37,015,088, G>A on the plus strand (C>T on the coding strand, the complement: PAX5 is on the minus strand). VCF-style: chr9-37015088-G-A. GRCh37 (hg19) VCF-style: chr9-37015085-G-A.
Other names: c.319C>T, p.Pro107Ser (NM_001280549.2, NM_001280550.2, NM_001280552.2 and 4 more transcripts); c.-6C>T (NM_001280551.2, NM_001280556.2); c.212+5548C>T (NM_001280555.2); short protein forms P107S.
Identifiers: ClinVar variation 4626968 (VCV004626968.1).
Genomic context (GRCh38, chr9:37,015,088, plus strand): 5'-CATTGTCACACACCCGCTCTGCCAGCAGCCGGTCCCTGATCTCCCAGGCAAACATGGTGG[G>A]ATTTTGGCGTTTATATTCAGCGATTTTTTCCACCACTTTGGGTGTGGCGACCTTTGGTTT-3'
Protein context (NP_057953.1, residues 97-117): EKIAEYKRQN[Pro107Ser]TMFAWEIRDR

ClinVar aggregate classification (germline): Uncertain significance (1 of 4 stars; one submission).

Conditions:
Inborn genetic diseases. Identifiers: MedGen C0950123, MeSH D030342.

Submission:

Ambry Genetics
Classification: Uncertain significance for Inborn genetic diseases. Last evaluated: 2025-11-25. Review status: criteria provided, single submitter. Criteria: Ambry Variant Classification Scheme 2023. Collection method: clinical testing. Allele origin: germline.
Comment: The p.P107S variant (also known as c.319C>T), located in coding exon 3 of the PAX5 gene, results from a C to T substitution at nucleotide position 319. The proline at codon 107 is replaced by serine, an amino acid with similar properties. This amino acid position is conserved. In addition, this alteration is predicted to be deleterious by in silico analysis. Based on the available evidence, the clinical significance of this variant remains unclear.